The following is an entry in ClinVar:

NM_007294.4(BRCA1):c.2929_2930dup (p.Tyr978fs)

Gene: BRCA1 (BRCA1 DNA repair associated; minus strand). Cytogenetic location: 17q21.31.
Variant type: Duplication.
Coding change: c.2929_2930dup on transcript NM_007294.4 (MANE Select); coding-DNA positions 2929 to 2930, 2 bases duplicated (CC; older notation c.2929_2930dupCC).
Protein change: p.Tyr978fs; shifts the reading frame from tyrosine 978.
Molecular consequence: frameshift variant. On other transcripts: intron variant (137).
Genome position (GRCh38, 1-based): chr17:43,092,601-43,092,602, GG duplicated on the plus strand (CC on the coding strand, the reverse complement: BRCA1 is on the minus strand); duplicating any 2 consecutive bases within chr17:43,092,601-43,092,603 gives the same sequence; the c. name uses the placement nearest the transcript's 3' end. VCF-style (leftmost placement, unchanged base first): chr17-43092600-T-TGG. GRCh37 (hg19) VCF-style: chr17-41244617-T-TGG.
Other names: c.2929_2930dupCC (NM_007294.3); c.788-1570_788-1569dup (NM_007299.4, NM_001407974.1, NM_001407973.1 and 17 more transcripts); c.788-463_788-462dup (NM_001407969.1, NM_001407968.1); c.578-1570_578-1569dup (NM_001408492.1, NM_001408513.1, NM_001408489.1 and 9 more transcripts); c.644-1570_644-1569dup (NM_001408468.1, NM_001408465.1, NM_001408463.1 and 3 more transcripts); c.524-1570_524-1569dup (NM_001408501.1, NM_001408500.1, NM_001408497.1 and 3 more transcripts); c.647-1570_647-1569dup (NM_001408455.1, NM_001408466.1, NM_001408452.1 and 11 more transcripts); c.521-1570_521-1569dup (NM_001408503.1, NM_001408505.1, NM_001408504.1); and 42 more; short protein forms Y978fs, Y931fs, Y682fs, Y810fs, Y867fs, Y910fs, Y911fs, Y937fs.
Identifiers: ClinVar variation 54723 (VCV000054723.3), dbSNP rs397509025, ClinGen allele CA327846.

ClinVar aggregate classification (germline): Pathogenic. Review status: reviewed by expert panel (3 of 4 stars). 2 submissions from 2 submitters: Pathogenic (1). 1 of the submissions does not count toward it. Last evaluated 2017-12-15.

Conditions:
Breast-ovarian cancer, familial, susceptibility to, 1 (BROVCA1). Also called: OVARIAN CANCER, SUSCEPTIBILITY TO; BRCA1 Hereditary Breast and Ovarian Cancer. Identifiers: Orphanet 145, MedGen C2676676, MONDO:0011450, OMIM 604370. Disease mechanism: loss of function.
Familial cancer of breast. Also called: Hereditary breast cancer; hereditary breast carcinoma; BREAST CANCER, FAMILIAL. Identifiers: Orphanet 227535, MedGen C0346153, MONDO:0016419, OMIM 114480. Disease mechanism: loss of function.

Submissions (2):

Evidence-based Network for the Interpretation of Germline Mutant Alleles (ENIGMA)
Classification: Pathogenic for Breast-ovarian cancer, familial, susceptibility to, 1. Last evaluated: 2017-12-15. Review status: reviewed by expert panel. Criteria: ENIGMA BRCA1/2 Classification Criteria (2017-06-29). Collection method: curation. Allele origin: germline. Study: ENIGMA.
Comment: Variant allele predicted to encode a truncated non-functional protein.

ClinVar Staff, National Center for Biotechnology Information (NCBI)
No classification provided. Condition: Familial cancer of breast. Review status: no classification provided. Collection method: literature only. Allele origin: germline. Affected: yes. Not counted in ClinVar's aggregate classification.

Literature cited by the submitters: PubMed 16683254 (cited by ClinVar Staff, National Center for Biotechnology Information (NCBI)).